The following is an entry in ClinVar:

NM_018699.4(PRDM5):c.1774A>G (p.Lys592Glu)

Gene: PRDM5 (PR/SET domain 5; minus strand). Cytogenetic location: 4q27.
Variant type: single nucleotide variant.
Coding change: c.1774A>G on transcript NM_018699.4 (MANE Select); coding-DNA position 1774, A replaced by G.
Protein change: p.Lys592Glu; replaces lysine 592 with glutamic acid.
Molecular consequence: missense variant. On other transcripts: 3 prime UTR variant (1).
Genome position (GRCh38, 1-based): chr4:120,695,230, T>C on the plus strand (A>G on the coding strand, the complement: PRDM5 is on the minus strand). VCF-style: chr4-120695230-T-C. GRCh37 (hg19) VCF-style: chr4-121616385-T-C.
Other names: c.1681A>G, p.Lys561Glu (NM_001300823.2); c.*89A>G (NM_001300824.2); c.1807A>G, p.Lys603Glu (NM_001379104.1); c.1576A>G, p.Lys526Glu (NM_001379106.1); short protein forms K526E, K561E, K592E, K603E.
Identifiers: ClinVar variation 4143972 (VCV004143972.1).

ClinVar aggregate classification (germline): Uncertain significance (1 of 4 stars; one submission).

Conditions:
Cardiovascular phenotype. Identifiers: MedGen CN230736.

Submission:

Ambry Genetics
Classification: Uncertain significance for Cardiovascular phenotype. Last evaluated: 2025-07-21. Review status: criteria provided, single submitter. Criteria: Ambry Variant Classification Scheme 2023. Collection method: clinical testing. Allele origin: germline.
Comment: The p.K592E variant (also known as c.1774A>G), located in coding exon 16 of the PRDM5 gene, results from an A to G substitution at nucleotide position 1774. The lysine at codon 592 is replaced by glutamic acid, an amino acid with similar properties. This amino acid position is conserved. In addition, the in silico prediction for this alteration is inconclusive. Based on the available evidence, the clinical significance of this variant remains unclear.